The following is an entry in ClinVar:

ClinVar aggregate classification (germline): Conflicting classifications of pathogenicity. Review status: criteria provided, conflicting classifications (1 of 4 stars). 2 submissions from 2 submitters: Uncertain significance (1); Likely benign (1). Last evaluated 2025-01-21.

Allele frequency attached by ClinVar (database versions not stated): 1000 Genomes Project 0.00100; 1000 Genomes Project 30x 0.00125; ExAC 0.00164; TOPMed 0.00288; gnomAD 0.00337; gnomAD exomes 0.00468.
gnomAD v4.1: 6,851 of 1,535,780 alleles (0.45%); highest among the groups gnomAD compares: Non-Finnish European, 0.55%; 18 homozygotes.

Submissions (2):

Ambry Genetics
Classification: Uncertain significance. Last evaluated: 2025-01-21. Review status: criteria provided, single submitter. Criteria: Ambry Variant Classification Scheme 2023. Collection method: clinical testing. Allele origin: germline.

CeGaT Center for Human Genetics Tuebingen
Classification: Likely benign. Last evaluated: 2023-08-01. Review status: criteria provided, single submitter. Criteria: CeGaT Center For Human Genetics Tuebingen Variant Classification Criteria Version 2. Collection method: clinical testing. Allele origin: germline. Affected: yes. Observed: 1 variant allele.
Comment: CATSPERT: BP4

NM_001168221.2(CATSPERT):c.3129T>A (p.Asn1043Lys)

Gene: CATSPERT (catsper channel auxiliary subunit tau; minus strand). Cytogenetic location: 2q33.1.
Variant type: single nucleotide variant.
Coding change: c.3129T>A on transcript NM_001168221.2 (MANE Select); coding-DNA position 3129, T replaced by A.
Protein change: p.Asn1043Lys; replaces asparagine 1043 with lysine.
Molecular consequence: missense variant. On other transcripts: intron variant (2).
Genome position (GRCh38, 1-based): chr2:201,493,212, A>T on the plus strand (T>A on the coding strand, the complement: CATSPERT is on the minus strand). VCF-style: chr2-201493212-A-T. GRCh37 (hg19) VCF-style: chr2-202357935-A-T.
Other names: c.3129T>A (NM_001168221.1); c.*49+2683T>A (NM_001168216.2); c.1581+2683T>A (NM_152525.6); short protein forms N1043K.
Identifiers: ClinVar variation 2651820 (VCV002651820.25), dbSNP rs200715227, ClinGen allele CA2055616.
Genomic context (GRCh38, chr2:201,493,212, plus strand): 5'-TGATTCACTAAGTTTATCCATTAATGAGTTAGTTAAACTTTCTAAAGTAGAACTGAGATC[A>T]TTTTTGTCTTTACAAAGCCTCTGACCATTTCTTGGCAAATACAGTTCTTTATTTGCTATT-3'
Protein context (NP_001161693.1, residues 1033-1053): RNGQRLCKDK[Asn1043Lys]DLSSTLESLT